The following is an entry in ClinVar:

ClinVar aggregate classification (germline): Uncertain significance (1 of 4 stars; one submission).

Conditions:
Pitt-Hopkins-like syndrome 2 (PTHSL2). Identifiers: Orphanet 221150, Orphanet 600663, MedGen C3280479, MONDO:0013690, OMIM 614325.

Submission:

Labcorp Genetics (formerly Invitae), Labcorp
Classification: Uncertain significance for Pitt-Hopkins-like syndrome 2. Last evaluated: 2021-09-03. Review status: criteria provided, single submitter. Criteria: Invitae Variant Classification Sherloc (09022015). Collection method: clinical testing. Allele origin: germline.
Comment: This variant, c.3969_3971del, results in the deletion of 1 amino acid(s) of the NRXN1 protein (p.Ile1324del), but otherwise preserves the integrity of the reading frame. This variant is not present in population databases (ExAC no frequency). This variant has not been reported in the literature in individuals affected with NRXN1-related conditions. Experimental studies and prediction algorithms are not available or were not evaluated, and the functional significance of this variant is currently unknown. In summary, the available evidence is currently insufficient to determine the role of this variant in disease. Therefore, it has been classified as a Variant of Uncertain Significance.

NM_001330078.2(NRXN1):c.3846AAT[1] (p.Ile1284del)

Gene: NRXN1 (neurexin 1; minus strand). Cytogenetic location: 2p16.3.
Variant type: Microsatellite.
Coding change: c.3846AAT[1] on transcript NM_001330078.2 (MANE Select); one copy of the 3-base unit AAT starting at c.3846; the reference has two copies in a row; one copy, 3 bases deleted.
Protein change: p.Ile1284del; deletes isoleucine 1284.
Molecular consequence: inframe deletion.
Genome position (GRCh38, 1-based): chr2:50,053,548-50,053,550, ATT deleted on the plus strand (AAT on the coding strand, the reverse complement: NRXN1 is on the minus strand); deleting any 3 consecutive bases within chr2:50,053,548-50,053,555 gives the same sequence; the position shown is the placement nearest the transcript's 3' end. VCF-style (leftmost placement, unchanged base first): chr2-50053547-AATT-A. GRCh37 (hg19) VCF-style: chr2-50280685-AATT-A.
Other names: c.3966AAT[1], p.Ile1324del (NM_001135659.3); c.3822AAT[1], p.Ile1276del (NM_001330077.2, NM_001330082.2); c.3690AAT[1], p.Ile1232del (NM_001330083.2); c.3780AAT[1], p.Ile1262del (NM_001330084.2); c.3819AAT[1], p.Ile1275del (NM_001330085.2); c.3846AAT[1], p.Ile1284del (NM_001330086.2); c.3645AAT[1], p.Ile1217del (NM_001330087.2, NM_001330096.2); c.3675AAT[1], p.Ile1227del (NM_001330088.2); and 6 more; short protein forms I1217del, I1275del, I249del, I1237del, I1283del, I1324del, I1232del, I1254del.
Identifiers: ClinVar variation 1478036 (VCV001478036.6), dbSNP rs2152626963, ClinGen allele CA2580611636.
Genomic context (GRCh38, chr2:50,053,547, plus strand): 5'-GCCATTGTAGTACAGCCCAGAGAGCTGGCCCTGGAAGGGCTGGCCCTGCTCTTTCCCGCC[AATT>A]ATTATGGTTGCTTGGCTATTGAAGATTGTGAGCTGACGCCCTGTAAAAATAATATTACAT-3'